The following is an entry in ClinVar:

ClinVar aggregate classification (germline): Uncertain significance (1 of 4 stars; one submission).

Conditions:
Walker-Warburg congenital muscular dystrophy. Also called: Muscular dystrophy-dystroglycanopathy, type A; Walker-Warburg syndrome. Identifiers: Orphanet 899, MedGen C0265221, MONDO:0000171.

Submission:

Labcorp Genetics (formerly Invitae), Labcorp
Classification: Uncertain significance for Walker-Warburg congenital muscular dystrophy. Last evaluated: 2017-09-29. Review status: criteria provided, single submitter. Criteria: Invitae Variant Classification Sherloc (09022015). Collection method: clinical testing. Allele origin: germline.
Comment: In summary, this variant is a novel missense change that is not predicted to affect protein function. There is no indication that it causes disease, but the available evidence is currently insufficient to prove that conclusively. Therefore, it has been classified as a Variant of Uncertain Significance. Algorithms developed to predict the effect of missense changes on protein structure and function (SIFT, PolyPhen-2, Align-GVGD) all suggest that this variant is likely to be tolerated, but these predictions have not been confirmed by published functional studies. While this variant is not present in population databases, the frequency information is unreliable, as metrics indicate poor data quality at this position in the ExAC database. This variant has not been reported in the literature in individuals with a FKRP-related disease. This sequence change replaces alanine with serine at codon 133 of the FKRP protein (p.Ala133Ser). The alanine residue is moderately conserved and there is a moderate physicochemical difference between alanine and serine.

NM_024301.5(FKRP):c.397G>T (p.Ala133Ser)

Gene: FKRP (fukutin related protein; plus strand). Cytogenetic location: 19q13.32.
Variant type: single nucleotide variant.
Coding change: c.397G>T on transcript NM_024301.5 (MANE Select); coding-DNA position 397, G replaced by T.
Protein change: p.Ala133Ser; replaces alanine 133 with serine.
Molecular consequence: missense variant.
Genome position (GRCh38, 1-based): chr19:46,755,847, G>T. VCF-style: chr19-46755847-G-T. GRCh37 (hg19) VCF-style: chr19-47259104-G-T.
Other names: c.397G>T, p.Ala133Ser (NM_001039885.3); short protein forms A133S.
Identifiers: ClinVar variation 459235 (VCV000459235.8), dbSNP rs1555738380, ClinGen allele CA406495248.